The following is an entry in ClinVar:

ClinVar aggregate classification (germline): Benign/Likely benign. Review status: criteria provided, multiple submitters, no conflicts (2 of 4 stars). 3 submissions from 3 submitters: Benign (1); Likely benign (2). Last evaluated 2026-09-06.

Conditions:
Hereditary cancer-predisposing syndrome. Also called: Tumor predisposition; Hereditary neoplastic syndrome; Hereditary Cancer Syndrome; Neoplastic Syndromes, Hereditary. Identifiers: Orphanet 140162, MedGen C0027672, MeSH D009386, MONDO:0015356.
Breast-ovarian cancer, familial, susceptibility to, 4. Identifiers: Orphanet 145, MedGen C3280345, MONDO:0013669, OMIM 614291.

gnomAD v4.1: 4 of 1,613,376 alleles (0.00025%); highest among the groups gnomAD compares: Non-Finnish European, 0.00034%; no homozygotes.

Submissions (3):

Ambry Genetics
Classification: Likely benign for Hereditary cancer-predisposing syndrome. Last evaluated: 2026-09-06. Review status: criteria provided, single submitter. Criteria: Ambry Variant Classification Scheme 2023. Collection method: clinical testing. Allele origin: germline.

Myriad Genetics, Inc.
Classification: Benign for Breast-ovarian cancer, familial, susceptibility to, 4. Last evaluated: 2025-02-24. Review status: criteria provided, single submitter. Criteria: Myriad Autosomal Dominant, Autosomal Recessive and X-Linked Classification Criteria (2023). Collection method: clinical testing. Allele origin: unknown.
Comment: This variant is considered benign. This variant is a silent/synonymous amino acid change and it is not expected to impact splicing.

Labcorp Genetics (formerly Invitae), Labcorp
Classification: Likely benign for Breast-ovarian cancer, familial, susceptibility to, 4. Last evaluated: 2024-11-11. Review status: criteria provided, single submitter. Criteria: Invitae Variant Classification Sherloc (09022015). Collection method: clinical testing. Allele origin: germline.

NM_002878.4(RAD51D):c.522C>T (p.Asp174=)

Genes: RAD51D (RAD51 paralog D; minus strand), RAD51L3-RFFL (RAD51L3-RFFL readthrough; minus strand). Cytogenetic location: 17q12.
Variant type: single nucleotide variant.
Coding change: c.522C>T on transcript NM_002878.4 (MANE Select); coding-DNA position 522, C replaced by T.
Protein change: p.Asp174=; no amino-acid change (aspartic acid 174 retained).
Molecular consequence: synonymous variant. On other transcripts: non-coding transcript variant (3).
Genome position (GRCh38, 1-based): chr17:35,106,440, G>A on the plus strand (C>T on the coding strand, the complement: RAD51D is on the minus strand). VCF-style: chr17-35106440-G-A. GRCh37 (hg19) VCF-style: chr17-33433459-G-A.
Other names: c.582C>T, p.Asp194= (NM_001142571.2); c.186C>T, p.Asp62= (NM_133629.3).
Identifiers: ClinVar variation 3712586 (VCV003712586.4).